The following is an entry in ClinVar:

NM_001349338.3(FOXP1):c.1531-31_1531-15del

Gene: FOXP1 (forkhead box P1; minus strand). Cytogenetic location: 3p13.
Variant type: Deletion.
Coding change: c.1531-31_1531-15del on transcript NM_001349338.3 (MANE Select); 31 bases into the intron before coding-DNA position 1531 through 15 bases into the intron before coding-DNA position 1531, 17 bases deleted (GTAAATGTTCTCTCTTT).
Molecular consequence: intron variant.
Genome position (GRCh38, 1-based): chr3:70,972,691-70,972,707, AAAGAGAGAACATTTAC deleted on the plus strand (GTAAATGTTCTCTCTTT on the coding strand, the reverse complement: FOXP1 is on the minus strand); deleting any 17 consecutive bases within chr3:70,972,691-70,972,708 gives the same sequence; the c. name uses the placement nearest the transcript's 3' end. VCF-style (leftmost placement, unchanged base first): chr3-70972690-AAAAGAGAGAACATTTAC-A. GRCh37 (hg19) VCF-style: chr3-71021841-AAAAGAGAGAACATTTAC-A.
Other names: c.1531-527_1531-511del (NM_001244810.2); c.1531-31_1531-15del (NM_032682.6, NM_001349340.3, NM_001244816.2 and 1 more transcripts); c.1528-31_1528-15del (NM_001349341.3, NM_001244808.3); c.1303-31_1303-15del (NM_001244812.3); c.1228-31_1228-15del (NM_001349343.3, NM_001349337.2, NM_001370548.1 and 1 more transcripts); c.1231-31_1231-15del (NM_001349342.3, NM_001244815.2, NM_001244813.3).
Identifiers: ClinVar variation 4526461 (VCV004526461.1).

ClinVar aggregate classification (germline): Pathogenic (1 of 4 stars; one submission).

Conditions:
Intellectual disability-severe speech delay-mild dysmorphism syndrome (IDDLA). Also called: FOXP1 Syndrome; Mental retardation with language impairment and autistic features; Intellectual developmental disorder with language impairment AND with or without autistic features. Identifiers: Orphanet 391372, MedGen C4013764, MONDO:0013352, OMIM 613670.

Submission:

Centre de Biologie Pathologie Génétique, Centre Hospitalier Universitaire de Lille
Classification: Pathogenic for Intellectual disability-severe speech delay-mild dysmorphism syndrome. Last evaluated: 2025-01-01. Review status: criteria provided, single submitter. Criteria: ACMG Guidelines, 2015. Collection method: clinical testing. Allele origin: de novo. Inheritance: Autosomal dominant inheritance. Affected: yes. Observed: 1 heterozygote.
Comment: The variant is absent from population databases (gnomAD v4.1, deCAF). Multiple in silico tools (SpliceAI, SPiP, MaxEntScan) predict a disruption of the canonical acceptor splice site of exon 18. In-house functional studies using minigene assays and long-read cDNA sequencing confirmed aberrant splicing leading to exon skipping, intron retention, and predicted frameshifted transcripts consistent with loss of function. This evidence supports the classification of the variant as pathogenic, meeting ACMG/AMP criteria PS2 (de novo), PS3 (functional evidence), and PM2 (absent from controls), with consideration of PVS1_Moderate (RNA).

Literature cited by the submitters: PubMed 40473777.